The following is an entry in ClinVar:

ClinVar aggregate classification (germline): Uncertain significance (1 of 4 stars; one submission).

Conditions:
Primary familial hypertrophic cardiomyopathy (HCM). Identifiers: Orphanet 99739, MedGen C0949658, MeSH D024741, MONDO:0024573. Inheritance: Various modes of inheritance.
Dilated cardiomyopathy 1AA (CMD1AA). Also called: Cardiomyopathy, dilated, 1AA, with or without LVNC; CARDIOMYOPATHY, FAMILIAL HYPERTROPHIC, 23, WITH OR WITHOUT LEFT VENTRICULAR NONCOMPACTION; CARDIOMYOPATHY, DILATED, 1AA, WITH OR WITHOUT LEFT VENTRICULAR NONCOMPACTION. Identifiers: Orphanet 154, MedGen C2677338, MONDO:0012808, OMIM 612158.

gnomAD v4.1: 1 of 1,614,078 alleles (0.000062%); highest among the groups gnomAD compares: Non-Finnish European, 0.000085%; no homozygotes.

Submission:

Labcorp Genetics (formerly Invitae), Labcorp
Classification: Uncertain significance for Primary familial hypertrophic cardiomyopathy; Dilated cardiomyopathy 1AA. Last evaluated: 2021-10-31. Review status: criteria provided, single submitter. Criteria: Invitae Variant Classification Sherloc (09022015). Collection method: clinical testing. Allele origin: germline.
Comment: In summary, the available evidence is currently insufficient to determine the role of this variant in disease. Therefore, it has been classified as a Variant of Uncertain Significance. Advanced modeling of protein sequence and biophysical properties (such as structural, functional, and spatial information, amino acid conservation, physicochemical variation, residue mobility, and thermodynamic stability) performed at Invitae indicates that this missense variant is not expected to disrupt ACTN2 protein function. This variant has not been reported in the literature in individuals affected with ACTN2-related conditions. This variant is not present in population databases (gnomAD no frequency). This sequence change replaces arginine, which is basic and polar, with glycine, which is neutral and non-polar, at codon 721 of the ACTN2 protein (p.Arg721Gly).

NM_001103.4(ACTN2):c.2161C>G (p.Arg721Gly)

Gene: ACTN2 (actinin alpha 2; plus strand). Cytogenetic location: 1q43.
Variant type: single nucleotide variant.
Coding change: c.2161C>G on transcript NM_001103.4 (MANE Select); coding-DNA position 2161, C replaced by G.
Protein change: p.Arg721Gly; replaces arginine 721 with glycine.
Molecular consequence: missense variant.
Genome position (GRCh38, 1-based): chr1:236,757,492, C>G. VCF-style: chr1-236757492-C-G. GRCh37 (hg19) VCF-style: chr1-236920792-C-G.
Other names: c.2161C>G, p.Arg721Gly (NM_001278343.2); c.1537C>G, p.Arg513Gly (NM_001278344.2); short protein forms R513G, R721G.
Identifiers: ClinVar variation 1441926 (VCV001441926.6), dbSNP rs149433837, ClinGen allele CA345388606.
Genomic context (GRCh38, chr1:236,757,492, plus strand): 5'-GAGTTGACATGCTGGAGAGACTTAGAACTGATCTTTCCCCTTTTCCCTCAATAGCACATT[C>G]GTGTTGGATGGGAGCTGCTGCTGACAACCATCGCCAGAACCATCAATGAGGTGGAGACTC-3'
Protein context (NP_001094.1, residues 711-731): KHTNYTMEHI[Arg721Gly]VGWELLLTTI